The following is an entry in ClinVar:

NM_001267550.2(TTN):c.82061T>G (p.Val27354Gly)

Genes: TTN-AS1 (TTN antisense RNA 1; plus strand), TTN (titin; minus strand). Cytogenetic location: 2q31.2.
Variant type: single nucleotide variant.
Coding change: c.82061T>G on transcript NM_001267550.2 (MANE Select); coding-DNA position 82061, T replaced by G.
Protein change: p.Val27354Gly; replaces valine 27354 with glycine.
Molecular consequence: missense variant.
Genome position (GRCh38, 1-based): chr2:178,564,071, A>C on the plus strand (T>G on the coding strand, the complement: TTN is on the minus strand). VCF-style: chr2-178564071-A-C. GRCh37 (hg19) VCF-style: chr2-179428798-A-C.
Other names: c.74357T>G, p.Val24786Gly (NM_133378.4); c.77138T>G, p.Val25713Gly (NM_001256850.1); c.54866T>G, p.Val18289Gly (NM_003319.4); c.55241T>G, p.Val18414Gly (NM_133432.3); c.55442T>G, p.Val18481Gly (NM_133437.4); short protein forms V27354G, V24786G, V18414G, V18289G, V18481G, V25713G.
Identifiers: ClinVar variation 47406 (VCV000047406.13), dbSNP rs368023868, ClinGen allele CA140904.

ClinVar aggregate classification (germline): Conflicting classifications of pathogenicity. Review status: criteria provided, conflicting classifications (1 of 4 stars). 6 submissions from 6 submitters: Uncertain significance (5); Likely benign (1). Last evaluated 2025-07-10.

Conditions:
TTN-related disorder. Also called: TTN-related condition; TTN-related disease; TTN-related disorders.
Cardiovascular phenotype. Identifiers: MedGen CN230736.
Myopathy, myofibrillar, 9, with early respiratory failure (MFM9). Also called: Hereditary myopathy with early respiratory failure; EDSTROM MYOPATHY; MYOPATHY, PROXIMAL, WITH EARLY RESPIRATORY MUSCLE INVOLVEMENT; Myopathy, distal, with early respiratory failure, autosomal dominant. Identifiers: Orphanet 178464, Orphanet 34521, MedGen C1863599, MONDO:0011362, OMIM 603689.
Autosomal recessive limb-girdle muscular dystrophy type 2J (LGMDR10). Also called: Limb-girdle muscular dystrophy, type 2J; MUSCULAR DYSTROPHY, LIMB-GIRDLE, AUTOSOMAL RECESSIVE 10. Identifiers: Orphanet 140922, MedGen C1837342, MONDO:0012127, OMIM 608807.
Early-onset myopathy with fatal cardiomyopathy (CMYO5). Also called: Salih Myopathy; CONGENITAL MYOPATHY 5 WITH CARDIOMYOPATHY. Identifiers: Orphanet 289377, MedGen C2673677, MONDO:0012714, OMIM 611705. Disease mechanism: loss of function.
Hypertrophic cardiomyopathy 9. Also called: Familial hypertrophic cardiomyopathy 9. Identifiers: MedGen C1861065, MONDO:0013412, OMIM 613765.
Dilated cardiomyopathy 1G (CMD1G). Identifiers: Orphanet 154, MedGen C1858763, MONDO:0011400, OMIM 604145.
Tibial muscular dystrophy (TMD). Also called: Tibial muscular dystrophy, tardive; UDD MYOPATHY; Udd Distal Myopathy – Tibial Muscular Dystrophy. Identifiers: Orphanet 609, MedGen C1838244, MONDO:0010870, OMIM 600334.

Allele frequency attached by ClinVar (database versions not stated): ExAC 0.00003; gnomAD exomes 0.00004; gnomAD 0.00007 and 0.00010; TOPMed 0.00017; ESP Exome Variant Server 0.00025.
gnomAD v4.1: 31 of 1,613,644 alleles (0.0019%); highest among the groups gnomAD compares: African/African-American, 0.037%; no homozygotes.

Submissions (6):

PreventionGenetics, part of Exact Sciences
Classification: Uncertain significance for TTN-related condition. Last evaluated: 2025-07-10. Review status: criteria provided, single submitter. Criteria: ACMG Guidelines, 2015. Collection method: clinical testing. Allele origin: germline.
Comment: The TTN c.82061T>G variant is predicted to result in the amino acid substitution p.Val27354Gly. To our knowledge, this variant has not been reported in the literature. This variant is reported in 0.041% of alleles in individuals of African descent in gnomAD. At this time, the clinical significance of this variant is uncertain due to the absence of conclusive functional and genetic evidence.

Women's Health and Genetics/Laboratory Corporation of America, LabCorp
Classification: Uncertain significance. Last evaluated: 2022-02-12. Review status: criteria provided, single submitter. Criteria: LabCorp Variant Classification Summary - May 2015. Collection method: clinical testing. Allele origin: germline.

Fulgent Genetics
Classification: Uncertain significance for Tibial muscular dystrophy; Myopathy, myofibrillar, 9, with early respiratory failure; Dilated cardiomyopathy 1G; Autosomal recessive limb-girdle muscular dystrophy type 2J; Early-onset myopathy with fatal cardiomyopathy; Hypertrophic cardiomyopathy 9. Last evaluated: 2021-11-17. Review status: criteria provided, single submitter. Criteria: ACMG Guidelines, 2015. Collection method: clinical testing. Allele origin: unknown.

Revvity Omics, Revvity
Classification: Uncertain significance. Last evaluated: 2021-10-13. Review status: criteria provided, single submitter. Criteria: ACMG Guidelines, 2015. Collection method: clinical testing. Allele origin: germline.

Ambry Genetics
Classification: Likely benign for Cardiovascular phenotype. Last evaluated: 2019-07-10. Review status: criteria provided, single submitter. Criteria: Ambry Variant Classification Scheme 2023. Collection method: clinical testing. Allele origin: germline.

Laboratory for Molecular Medicine, Mass General Brigham Personalized Medicine
Classification: Uncertain significance. Last evaluated: 2012-12-11. Review status: criteria provided, single submitter. Criteria: LMM Criteria. Collection method: clinical testing. Allele origin: germline. Observed: 1 variant allele.
Comment: The Val24786Gly variant in TTN has not been reported in the literature nor previ ously identified by our laboratory. This variant has been identified in 3/3722 A frican American chromosomes from a broad population by the NHLBI Exome Sequencin g Project. Computational analyses (biochemic al amino acid properties, conservation, AlignGVGD, PolyPhen2, and SIFT) do not p rovide strong support for or against an impact to the protein. Additional inform ation is needed to fully assess the clinical significance of the Val24786Gly var iant.